The following is an entry in ClinVar:

ClinVar aggregate classification (germline): Benign. Review status: criteria provided, multiple submitters, no conflicts (2 of 4 stars). 3 submissions from 3 submitters: Benign (2). 1 of the submissions does not count toward it. Last evaluated 2026-02-03.

Conditions:
SAMD11-related disorder. Also called: SAMD11-related condition.

Allele frequency attached by ClinVar (database versions not stated): 1000 Genomes Project 30x 0.04279; 1000 Genomes Project 0.04313; ESP Exome Variant Server 0.04892.
gnomAD v4.1: 130,708 of 1,552,338 alleles (8.4%); highest among the groups gnomAD compares: Middle Eastern, 10%; 6,203 homozygotes.

Submissions (3):

Labcorp Genetics (formerly Invitae), Labcorp
Classification: Benign. Last evaluated: 2026-02-03. Review status: criteria provided, single submitter. Criteria: Invitae Variant Classification Sherloc (09022015). Collection method: clinical testing. Allele origin: germline.

Breakthrough Genomics
Classification: Benign. Review status: criteria provided, single submitter. Criteria: ACMG Guidelines, 2015. Collection method: not provided. Allele origin: germline. Inheritance: Unknown mechanism. Affected: yes.

PreventionGenetics, part of Exact Sciences
Classification: Benign for SAMD11-related condition. Last evaluated: 2019-10-28. Review status: no assertion criteria provided. Collection method: clinical testing. Allele origin: germline. Not counted in ClinVar's aggregate classification.
Comment: This variant is classified as benign based on ACMG/AMP sequence variant interpretation guidelines (Richards et al. 2015 PMID: 25741868, with internal and published modifications).

NM_001385641.1(SAMD11):c.1929G>C (p.Gly643=)

Gene: SAMD11 (sterile alpha motif domain containing 11; plus strand). Cytogenetic location: 1p36.33.
Variant type: single nucleotide variant.
Coding change: c.1929G>C on transcript NM_001385641.1 (MANE Select); coding-DNA position 1929, G replaced by C.
Protein change: p.Gly643=; no amino-acid change (glycine 643 retained).
Molecular consequence: synonymous variant.
Genome position (GRCh38, 1-based): chr1:942,934, G>C. VCF-style: chr1-942934-G-C. GRCh37 (hg19) VCF-style: chr1-878314-G-C.
Other names: c.1932G>C, p.Gly644= (NM_001385640.1); c.1440G>C, p.Gly480= (NM_152486.4); c.1440G>C (NM_152486.2).
Identifiers: ClinVar variation 1168912 (VCV001168912.12), dbSNP rs142558220, ClinGen allele CA503026.